The following is an entry in ClinVar:

ClinVar aggregate classification (germline): Uncertain significance (1 of 4 stars; one submission).

gnomAD v4.1: 1 of 1,613,210 alleles (0.000062%); highest among the groups gnomAD compares: African/African-American, 0.0013%; no homozygotes.

Submission:

GeneDx
Classification: Uncertain significance. Last evaluated: 2026-03-04. Review status: criteria provided, single submitter. Criteria: GeneDx Variant Classification Process June 2021. Collection method: clinical testing. Allele origin: germline.
Comment: Not observed at significant frequency in large population cohorts (gnomAD); In silico analysis supports that this missense variant has a deleterious effect on protein structure/function; Has not been previously published as pathogenic or benign to our knowledge

NM_016366.3(CABP2):c.377T>C (p.Ile126Thr)

Gene: CABP2 (calcium binding protein 2; minus strand). Cytogenetic location: 11q13.2.
Variant type: single nucleotide variant.
Coding change: c.377T>C on transcript NM_016366.3 (MANE Select); coding-DNA position 377, T replaced by C.
Protein change: p.Ile126Thr; replaces isoleucine 126 with threonine.
Molecular consequence: missense variant.
Genome position (GRCh38, 1-based): chr11:67,521,027, A>G on the plus strand (T>C on the coding strand, the complement: CABP2 is on the minus strand). VCF-style: chr11-67521027-A-G. GRCh37 (hg19) VCF-style: chr11-67288498-A-G.
Other names: c.395T>C, p.Ile132Thr (NM_001318496.2); short protein forms I132T, I126T.
Identifiers: ClinVar variation 5009614 (VCV005009614.1).
Genomic context (GRCh38, chr11:67,521,027, plus strand): 5'-ATGGGCCCAGCGGGGGCATCTGGAGGACTGGGGATGGGGATGGGTCCGAGGCACATACTG[A>G]TTTGTTGTGAGATCTCGATGAGCTCCATCTCGGTGGGCATGTAGCCCAGGGTCCGCATGC-3'
Protein context (NP_057450.2, residues 116-136): EMELIEISQQ[Ile126Thr]SGGKVDFEDF